The following is an entry in ClinVar:

NM_004006.3(DMD):c.3496C>G (p.Leu1166Val)

Gene: DMD (dystrophin; minus strand). Cytogenetic location: Xp21.1.
Variant type: single nucleotide variant.
Coding change: c.3496C>G on transcript NM_004006.3 (MANE Select); coding-DNA position 3496, C replaced by G.
Protein change: p.Leu1166Val; replaces leucine 1166 with valine.
Molecular consequence: missense variant.
Genome position (GRCh38, 1-based): chrX:32,454,769, G>C on the plus strand (C>G on the coding strand, the complement: DMD is on the minus strand). VCF-style: chrX-32454769-G-C. GRCh37 (hg19) VCF-style: chrX-32472886-G-C.
Other names: c.3472C>G, p.Leu1158Val (NM_000109.4); c.3484C>G, p.Leu1162Val (NM_004009.3); c.3127C>G, p.Leu1043Val (NM_004010.3); short protein forms L1043V, L1158V, L1162V, L1166V.
Identifiers: ClinVar variation 1170066 (VCV001170066.14), dbSNP rs753274868, ClinGen allele CA10379255.

ClinVar aggregate classification (germline): Benign/Likely benign. Review status: criteria provided, multiple submitters, no conflicts (2 of 4 stars). 4 submissions from 4 submitters: Benign (1); Likely benign (3). Last evaluated 2026-05-01.

Conditions:
Duchenne muscular dystrophy (DMD). Also called: MUSCULAR DYSTROPHY, PSEUDOHYPERTROPHIC PROGRESSIVE, DUCHENNE TYPE; Duchenne Muscular Dystrophy (DMD). Identifiers: Orphanet 98896, MedGen C0013264, MONDO:0010679, OMIM 310200.
Cardiovascular phenotype. Identifiers: MedGen CN230736.

Allele frequency attached by ClinVar (database versions not stated): gnomAD 0.00002; ExAC 0.00005; gnomAD exomes 0.00007.
gnomAD v4.1: 15 of 1,203,017 alleles (0.0012%); highest among the groups gnomAD compares: Admixed American, 0.027%; no homozygotes.

Submissions (4):

CeGaT Center for Human Genetics Tuebingen
Classification: Likely benign. Last evaluated: 2026-05-01. Review status: criteria provided, single submitter. Criteria: CeGaT Center For Human Genetics Tuebingen Variant Classification Criteria Version 2. Collection method: clinical testing. Allele origin: germline. Affected: yes. Observed: 1 variant allele.
Comment: DMD: BS2

Labcorp Genetics (formerly Invitae), Labcorp
Classification: Benign for Duchenne muscular dystrophy. Last evaluated: 2025-09-14. Review status: criteria provided, single submitter. Criteria: Invitae Variant Classification Sherloc (09022015). Collection method: clinical testing. Allele origin: germline.

Ambry Genetics
Classification: Likely benign for Cardiovascular phenotype. Last evaluated: 2024-12-26. Review status: criteria provided, single submitter. Criteria: Ambry Variant Classification Scheme 2023. Collection method: clinical testing. Allele origin: germline.

GeneDx
Classification: Likely benign. Last evaluated: 2020-06-17. Review status: criteria provided, single submitter. Criteria: GeneDx Variant Classification Process June 2021. Collection method: clinical testing. Allele origin: germline. Affected: yes.